The following is an entry in ClinVar:

NM_015978.3(TNNI3K):c.2195C>T (p.Ala732Val)

Genes: FPGT-TNNI3K (FPGT-TNNI3K readthrough; plus strand), LRRC53 (leucine rich repeat containing 53; minus strand), TNNI3K (TNNI3 interacting kinase; plus strand). Cytogenetic location: 1p31.1.
Variant type: single nucleotide variant.
Coding change: c.2195C>T on transcript NM_015978.3 (MANE Select); coding-DNA position 2195, C replaced by T.
Protein change: p.Ala732Val; replaces alanine 732 with valine.
Molecular consequence: missense variant. On other transcripts: intron variant (2).
Genome position (GRCh38, 1-based): chr1:74,492,110, C>T. VCF-style: chr1-74492110-C-T. GRCh37 (hg19) VCF-style: chr1-74957794-C-T.
Other names: c.2498C>T, p.Ala833Val (NM_001112808.3); c.-8-11142G>A (NM_001364666.2); c.-26-8735G>A (NM_001382280.1); c.2195C>T (NM_015978.2); short protein forms A732V, A833V.
Identifiers: ClinVar variation 1437247 (VCV001437247.8), dbSNP rs201188652, ClinGen allele CA909819.

ClinVar aggregate classification (germline): Uncertain significance. Review status: criteria provided, multiple submitters, no conflicts (2 of 4 stars). 2 submissions from 2 submitters: Uncertain significance (2). Last evaluated 2025-05-17.

Conditions:
Inborn genetic diseases. Identifiers: MedGen C0950123, MeSH D030342.

Allele frequency attached by ClinVar (database versions not stated): gnomAD 0.00001; gnomAD exomes 0.00002; TOPMed 0.00002; ExAC 0.00003.
gnomAD v4.1: 25 of 1,605,814 alleles (0.0016%); highest among the groups gnomAD compares: Middle Eastern, 0.017%; no homozygotes.

Submissions (2):

Ambry Genetics
Classification: Uncertain significance for Inborn genetic diseases. Last evaluated: 2025-05-17. Review status: criteria provided, single submitter. Criteria: Ambry Variant Classification Scheme 2023. Collection method: clinical testing. Allele origin: germline.

Labcorp Genetics (formerly Invitae), Labcorp
Classification: Uncertain significance. Last evaluated: 2024-03-04. Review status: criteria provided, single submitter. Criteria: Invitae Variant Classification Sherloc (09022015). Collection method: clinical testing. Allele origin: germline.
Comment: This sequence change replaces alanine, which is neutral and non-polar, with valine, which is neutral and non-polar, at codon 732 of the TNNI3K protein (p.Ala732Val). This variant is present in population databases (rs201188652, gnomAD 0.004%). This variant has not been reported in the literature in individuals affected with TNNI3K-related conditions. ClinVar contains an entry for this variant (Variation ID: 1437247). Algorithms developed to predict the effect of missense changes on protein structure and function output the following: SIFT: "Not Available"; PolyPhen-2: "Benign"; Align-GVGD: "Not Available". The valine amino acid residue is found in multiple mammalian species, which suggests that this missense change does not adversely affect protein function. In summary, the available evidence is currently insufficient to determine the role of this variant in disease. Therefore, it has been classified as a Variant of Uncertain Significance.